The following is an entry in ClinVar:

NM_001267550.2(TTN):c.3169G>A (p.Val1057Ile)

Gene: TTN (titin; minus strand). Cytogenetic location: 2q31.2.
Variant type: single nucleotide variant.
Coding change: c.3169G>A on transcript NM_001267550.2 (MANE Select); coding-DNA position 3169, G replaced by A.
Protein change: p.Val1057Ile; replaces valine 1057 with isoleucine.
Molecular consequence: missense variant.
Genome position (GRCh38, 1-based): chr2:178,782,423, C>T on the plus strand (G>A on the coding strand, the complement: TTN is on the minus strand). VCF-style: chr2-178782423-C-T. GRCh37 (hg19) VCF-style: chr2-179647150-C-T.
Other names: c.3031G>A, p.Val1011Ile (NM_003319.4, NM_133432.3, NM_133437.4); c.3169G>A, p.Val1057Ile (NM_133378.4, NM_133379.5, NM_001256850.1); short protein forms V1057I, V1011I.
Identifiers: ClinVar variation 511575 (VCV000511575.4), dbSNP rs780035225, ClinGen allele CA2005605.

ClinVar aggregate classification (germline): Conflicting classifications of pathogenicity. Review status: criteria provided, conflicting classifications (1 of 4 stars). 2 submissions from 2 submitters: Uncertain significance (1); Likely benign (1). Last evaluated 2020-09-02.

Allele frequency attached by ClinVar (database versions not stated): gnomAD exomes below 0.00001 and 0.00001; ExAC 0.00001; gnomAD 0.00001; TOPMed 0.00001.
gnomAD v4.1: 11 of 1,613,950 alleles (0.00068%); highest among the groups gnomAD compares: African/African-American, 0.0013%; no homozygotes.

Submissions (2):

Revvity Omics, Revvity
Classification: Uncertain significance. Last evaluated: 2020-09-02. Review status: criteria provided, single submitter. Criteria: ACMG Guidelines, 2015. Collection method: clinical testing. Allele origin: germline.

GeneDx
Classification: Likely benign. Last evaluated: 2017-08-15. Review status: criteria provided, single submitter. Criteria: GeneDx Variant Classification (06012015). Collection method: clinical testing. Allele origin: germline. Affected: yes.
Comment: This variant is considered likely benign or benign based on one or more of the following criteria: it is a conservative change, it occurs at a poorly conserved position in the protein, it is predicted to be benign by multiple in silico algorithms, and/or has population frequency not consistent with disease.